The following is an entry in ClinVar:

NM_173354.5(SIK1):c.2225C>T (p.Pro742Leu)

Gene: SIK1 (salt inducible kinase 1; minus strand). Cytogenetic location: 21q22.3.
Variant type: single nucleotide variant.
Coding change: c.2225C>T on transcript NM_173354.5 (MANE Select); coding-DNA position 2225, C replaced by T.
Protein change: p.Pro742Leu; replaces proline 742 with leucine.
Molecular consequence: missense variant.
Genome position (GRCh38, 1-based): chr21:43,416,869, G>A on the plus strand (C>T on the coding strand, the complement: SIK1 is on the minus strand). VCF-style: chr21-43416869-G-A. GRCh37 (hg19) VCF-style: chr21-44836749-G-A.
Other names: short protein forms P742L.
Identifiers: ClinVar variation 590022 (VCV000590022.10), dbSNP rs750558686, ClinGen allele CA321324320.

ClinVar aggregate classification (germline): Conflicting classifications of pathogenicity. Review status: criteria provided, conflicting classifications (1 of 4 stars). 2 submissions from 2 submitters: Uncertain significance (1); Likely benign (1). Last evaluated 2025-04-26.

Conditions:
Inborn genetic diseases. Identifiers: MedGen C0950123, MeSH D030342.
Developmental and epileptic encephalopathy, 30 (DEE30). Also called: Epileptic encephalopathy, early infantile, 30. Identifiers: MedGen C4225360, MONDO:0014595, OMIM 616341.

Allele frequency attached by ClinVar (database versions not stated): ExAC 0.00003; gnomAD exomes 0.00003.

Submissions (2):

Labcorp Genetics (formerly Invitae), Labcorp
Classification: Uncertain significance for Developmental and epileptic encephalopathy, 30. Last evaluated: 2025-04-26. Review status: criteria provided, single submitter. Criteria: Invitae Variant Classification Sherloc (09022015). Collection method: clinical testing. Allele origin: germline.
Comment: This sequence change replaces proline, which is neutral and non-polar, with leucine, which is neutral and non-polar, at codon 742 of the SIK1 protein (p.Pro742Leu). This variant is present in population databases (rs750558686, gnomAD 0.008%). This variant has not been reported in the literature in individuals affected with SIK1-related conditions. ClinVar contains an entry for this variant (Variation ID: 590022). Invitae Evidence Modeling of protein sequence and biophysical properties (such as structural, functional, and spatial information, amino acid conservation, physicochemical variation, residue mobility, and thermodynamic stability) indicates that this missense variant is not expected to disrupt SIK1 protein function with a negative predictive value of 95%. In summary, the available evidence is currently insufficient to determine the role of this variant in disease. Therefore, it has been classified as a Variant of Uncertain Significance.

Ambry Genetics
Classification: Likely benign for Inborn genetic diseases. Last evaluated: 2017-05-06. Review status: criteria provided, single submitter. Criteria: Ambry Variant Classification Scheme 2023. Collection method: clinical testing. Allele origin: germline.